The following is an entry in ClinVar:

NM_000318.3(PEX2):c.884C>T (p.Ser295Leu)

Gene: PEX2 (peroxisomal biogenesis factor 2; minus strand). Cytogenetic location: 8q21.13.
Variant type: single nucleotide variant.
Coding change: c.884C>T on transcript NM_000318.3 (MANE Select); coding-DNA position 884, C replaced by T.
Protein change: p.Ser295Leu; replaces serine 295 with leucine.
Molecular consequence: missense variant.
Genome position (GRCh38, 1-based): chr8:76,983,295, G>A on the plus strand (C>T on the coding strand, the complement: PEX2 is on the minus strand). VCF-style: chr8-76983295-G-A. GRCh37 (hg19) VCF-style: chr8-77895531-G-A.
Other names: c.884C>T, p.Ser295Leu (NM_001079867.2, NM_001172086.2, NM_001172087.2); short protein forms S295L.
Identifiers: ClinVar variation 2083936 (VCV002083936.4), dbSNP rs1554584377, ClinGen allele CA371556354.

ClinVar aggregate classification (germline): Uncertain significance (1 of 4 stars; one submission).

Conditions:
Peroxisome biogenesis disorder 5A (Zellweger) (PBD5A). Identifiers: Orphanet 912, MedGen C3553940, MONDO:0013932, OMIM 614866.

Allele frequency attached by ClinVar (database versions not stated): gnomAD exomes below 0.00001.
gnomAD v4.1: 1 of 1,613,784 alleles (0.000062%); highest among the groups gnomAD compares: Non-Finnish European, 0.000085%; no homozygotes.

Submission:

Labcorp Genetics (formerly Invitae), Labcorp
Classification: Uncertain significance for Peroxisome biogenesis disorder 5A (Zellweger). Last evaluated: 2022-11-01. Review status: criteria provided, single submitter. Criteria: Invitae Variant Classification Sherloc (09022015). Collection method: clinical testing. Allele origin: germline.
Comment: In summary, the available evidence is currently insufficient to determine the role of this variant in disease. Therefore, it has been classified as a Variant of Uncertain Significance. Algorithms developed to predict the effect of missense changes on protein structure and function (SIFT, PolyPhen-2, Align-GVGD) all suggest that this variant is likely to be tolerated. This variant has not been reported in the literature in individuals affected with PEX2-related conditions. This variant is not present in population databases (gnomAD no frequency). This sequence change replaces serine, which is neutral and polar, with leucine, which is neutral and non-polar, at codon 295 of the PEX2 protein (p.Ser295Leu).